The following is an entry in ClinVar:

ClinVar aggregate classification (germline): Uncertain significance (1 of 4 stars; one submission).

Allele frequency attached by ClinVar (database versions not stated): gnomAD exomes below 0.00001 and 0.00002; TOPMed below 0.00001; gnomAD 0.00001 and 0.00002; 1000 Genomes Project 30x 0.00016.
gnomAD v4.1: 28 of 1,612,238 alleles (0.0017%); highest among the groups gnomAD compares: Non-Finnish European, 0.0024%; no homozygotes.

Submission:

Labcorp Genetics (formerly Invitae), Labcorp
Classification: Uncertain significance. Last evaluated: 2022-04-01. Review status: criteria provided, single submitter. Criteria: Invitae Variant Classification Sherloc (09022015). Collection method: clinical testing. Allele origin: germline.
Comment: This sequence change replaces serine, which is neutral and polar, with isoleucine, which is neutral and non-polar, at codon 1513 of the RUSC2 protein (p.Ser1513Ile). The frequency data for this variant in the population databases is considered unreliable, as metrics indicate poor data quality at this position in the gnomAD database. This variant has not been reported in the literature in individuals affected with RUSC2-related conditions. Algorithms developed to predict the effect of missense changes on protein structure and function are either unavailable or do not agree on the potential impact of this missense change (SIFT: "Deleterious"; PolyPhen-2: "Not Available"; Align-GVGD: "Class C0"). In summary, the available evidence is currently insufficient to determine the role of this variant in disease. Therefore, it has been classified as a Variant of Uncertain Significance.

NM_014806.5(RUSC2):c.4538G>T (p.Ser1513Ile)

Gene: RUSC2 (RUN and SH3 domain containing 2; plus strand). Cytogenetic location: 9p13.3.
Variant type: single nucleotide variant.
Coding change: c.4538G>T on transcript NM_014806.5 (MANE Select); coding-DNA position 4538, G replaced by T.
Protein change: p.Ser1513Ile; replaces serine 1513 with isoleucine.
Molecular consequence: missense variant. On other transcripts: non-coding transcript variant (1).
Genome position (GRCh38, 1-based): chr9:35,561,369, G>T. VCF-style: chr9-35561369-G-T. GRCh37 (hg19) VCF-style: chr9-35561366-G-T.
Other names: c.4538G>T, p.Ser1513Ile (NM_001135999.2); c.1904G>T, p.Ser635Ile (NM_001330740.2); short protein forms S635I, S1513I.
Identifiers: ClinVar variation 1354471 (VCV001354471.5), dbSNP rs1391756942, ClinGen allele CA373358243.